The following is an entry in ClinVar:

ClinVar aggregate classification (germline): Uncertain significance (1 of 4 stars; one submission).

Conditions:
Noonan syndrome 4 (NS4). Also called: NOONAN SYNDROME WITH PIGMENTED VILLONODULAR SYNOVITIS; SOS1-Related Noonan Syndrome. Identifiers: Orphanet 648, MedGen C1853120, MONDO:0012547, OMIM 610733.

Submission:

3billion
Classification: Uncertain significance for Noonan syndrome 4. Last evaluated: 2022-05-22. Review status: criteria provided, single submitter. Criteria: ACMG Guidelines, 2015. Collection method: clinical testing. Allele origin: germline. Affected: yes. Observed: 1 heterozygote.
Comment: The variant is not observed in the gnomAD v2.1.1 dataset. Missense changes are a common disease-causing mechanism. Therefore, this variant is classified as uncertain significanceaccording to the recommendation of ACMG/AMP guideline.

NM_005633.4(SOS1):c.2117G>A (p.Arg706Lys)

Gene: SOS1 (SOS Ras/Rac guanine nucleotide exchange factor 1; minus strand). Cytogenetic location: 2p22.1.
Variant type: single nucleotide variant.
Coding change: c.2117G>A on transcript NM_005633.4 (MANE Select); coding-DNA position 2117, G replaced by A.
Protein change: p.Arg706Lys; replaces arginine 706 with lysine.
Molecular consequence: missense variant.
Genome position (GRCh38, 1-based): chr2:39,013,510, C>T on the plus strand (G>A on the coding strand, the complement: SOS1 is on the minus strand). VCF-style: chr2-39013510-C-T. GRCh37 (hg19) VCF-style: chr2-39240651-C-T.
Other names: c.2096G>A, p.Arg699Lys (NM_001382394.1); c.2117G>A, p.Arg706Lys (NM_001382395.1); short protein forms R699K, R706K.
Identifiers: ClinVar variation 1687418 (VCV001687418.1), dbSNP rs2124517554, ClinGen allele CA346364609.